The following is an entry in ClinVar:

NM_001256007.3(PNPLA8):c.908G>A (p.Gly303Asp)

Gene: PNPLA8 (patatin like domain 8, phospholipase A2; minus strand). Cytogenetic location: 7q31.1.
Variant type: single nucleotide variant.
Coding change: c.908G>A on transcript NM_001256007.3 (MANE Select); coding-DNA position 908, G replaced by A.
Protein change: p.Gly303Asp; replaces glycine 303 with aspartic acid.
Molecular consequence: missense variant.
Genome position (GRCh38, 1-based): chr7:108,514,584, C>T on the plus strand (G>A on the coding strand, the complement: PNPLA8 is on the minus strand). VCF-style: chr7-108514584-C-T. GRCh37 (hg19) VCF-style: chr7-108155028-C-T.
Other names: c.908G>A, p.Gly303Asp (NM_001256008.3, NM_001256009.3, NM_015723.5); c.608G>A, p.Gly203Asp (NM_001256010.3, NM_001256011.3); short protein forms G203D, G303D.
Identifiers: ClinVar variation 2058573 (VCV002058573.2), dbSNP rs1448086027, ClinGen allele CA368897807.
Genomic context (GRCh38, chr7:108,514,584, plus strand): 5'-TCTTCTGACTGACTCTTTGAATCATACTTTAATTTGGGGACAAGTCCACCAATATAACCA[C>T]CTACTAAAGCTTGTACACCTTCCGTGGGACGAGAAAGAAAGTTAGCAATACTTTGTTTAG-3'
Protein context (NP_001242936.1, residues 293-313): RPTEGVQALV[Gly303Asp]GYIGGLVPKL

ClinVar aggregate classification (germline): Uncertain significance. Review status: criteria provided, multiple submitters, no conflicts (2 of 4 stars). 2 submissions from 2 submitters: Uncertain significance (2). Last evaluated 2022-07-12.

Conditions:
Inborn genetic diseases. Identifiers: MedGen C0950123, MeSH D030342.

Allele frequency attached by ClinVar (database versions not stated): gnomAD exomes below 0.00001.
gnomAD v4.1: 2 of 1,614,082 alleles (0.00012%); highest among the groups gnomAD compares: Non-Finnish European, 0.000085%; no homozygotes.

Submissions (2):

Labcorp Genetics (formerly Invitae), Labcorp
Classification: Uncertain significance. Last evaluated: 2022-07-12. Review status: criteria provided, single submitter. Criteria: Invitae Variant Classification Sherloc (09022015). Collection method: clinical testing. Allele origin: germline.
Comment: This sequence change replaces glycine, which is neutral and non-polar, with aspartic acid, which is acidic and polar, at codon 303 of the PNPLA8 protein (p.Gly303Asp). This variant is not present in population databases (gnomAD no frequency). This variant has not been reported in the literature in individuals affected with PNPLA8-related conditions. Algorithms developed to predict the effect of missense changes on protein structure and function (SIFT, PolyPhen-2, Align-GVGD) all suggest that this variant is likely to be tolerated. In summary, the available evidence is currently insufficient to determine the role of this variant in disease. Therefore, it has been classified as a Variant of Uncertain Significance.

Ambry Genetics
Classification: Uncertain significance for Inborn genetic diseases. Last evaluated: 2021-08-10. Review status: criteria provided, single submitter. Criteria: Ambry Variant Classification Scheme 2023. Collection method: clinical testing. Allele origin: germline.